The following is an entry in ClinVar:

NM_006516.4(SLC2A1):c.725A>G (p.Gln242Arg)

Gene: SLC2A1 (solute carrier family 2 member 1; minus strand). Cytogenetic location: 1p34.2.
Variant type: single nucleotide variant.
Coding change: c.725A>G on transcript NM_006516.4 (MANE Select); coding-DNA position 725, A replaced by G.
Protein change: p.Gln242Arg; replaces glutamine 242 with arginine.
Molecular consequence: missense variant.
Genome position (GRCh38, 1-based): chr1:42,929,735, T>C on the plus strand (A>G on the coding strand, the complement: SLC2A1 is on the minus strand). VCF-style: chr1-42929735-T-C. GRCh37 (hg19) VCF-style: chr1-43395406-T-C.
Other names: short protein forms Q242R.
Identifiers: ClinVar variation 5040131 (VCV005040131.1).

ClinVar aggregate classification (germline): Uncertain significance (1 of 4 stars; one submission).

gnomAD v4.1: 1 of 1,614,166 alleles (0.000062%); highest among the groups gnomAD compares: Non-Finnish European, 0.000085%; no homozygotes.

Submission:

CeGaT Center for Human Genetics Tuebingen
Classification: Uncertain significance. Last evaluated: 2026-07-01. Review status: criteria provided, single submitter. Criteria: CeGaT Center For Human Genetics Tuebingen Variant Classification Criteria Version 2. Collection method: clinical testing. Allele origin: germline. Affected: yes. Observed: 1 variant allele.
Comment: SLC2A1: PM2